The following is an entry in ClinVar:

ClinVar aggregate classification (germline): Uncertain significance (1 of 4 stars; one submission).

Conditions:
Werner syndrome (WRN). Identifiers: Orphanet 902, MedGen C0043119, MONDO:0010196, OMIM 277700.

Allele frequency attached by ClinVar (database versions not stated): TOPMed below 0.00001; gnomAD 0.00001.

Submission:

Labcorp Genetics (formerly Invitae), Labcorp
Classification: Uncertain significance for Werner syndrome. Last evaluated: 2024-11-12. Review status: criteria provided, single submitter. Criteria: Invitae Variant Classification Sherloc (09022015). Collection method: clinical testing. Allele origin: germline.
Comment: This sequence change replaces arginine, which is basic and polar, with glutamine, which is neutral and polar, at codon 369 of the WRN protein (p.Arg369Gln). This variant is not present in population databases (gnomAD no frequency). This variant has not been reported in the literature in individuals affected with WRN-related conditions. ClinVar contains an entry for this variant (Variation ID: 1412181). An algorithm developed to predict the effect of missense changes on protein structure and function outputs the following: PolyPhen-2: "Benign". The glutamine amino acid residue is found in multiple mammalian species, which suggests that this missense change does not adversely affect protein function. In summary, the available evidence is currently insufficient to determine the role of this variant in disease. Therefore, it has been classified as a Variant of Uncertain Significance.

NM_000553.6(WRN):c.1106G>A (p.Arg369Gln)

Gene: WRN (WRN RecQ like helicase; plus strand). Cytogenetic location: 8p12.
Variant type: single nucleotide variant.
Coding change: c.1106G>A on transcript NM_000553.6 (MANE Select); coding-DNA position 1106, G replaced by A.
Protein change: p.Arg369Gln; replaces arginine 369 with glutamine.
Molecular consequence: missense variant.
Genome position (GRCh38, 1-based): chr8:31,081,133, G>A. VCF-style: chr8-31081133-G-A. GRCh37 (hg19) VCF-style: chr8-30938649-G-A.
Other names: short protein forms R369Q.
Identifiers: ClinVar variation 1412181 (VCV001412181.5), dbSNP rs1351358663, ClinGen allele CA370920741.